The following is an entry in ClinVar:

ClinVar aggregate classification (germline): Likely pathogenic (1 of 4 stars; one submission).

Conditions:
DeSanto-Shinawi syndrome due to WAC point mutation (DESSH). Also called: DEVELOPMENTAL DELAY, BEHAVIORAL ABNORMALITIES, FACIAL DYSMORPHISM, AND OCULAR ABNORMALITIES; Facial dysmorphism-developmental delay-behavioral abnormalities syndrome due to WAC point mutation; WAC-Related Intellectual Disability. Identifiers: Orphanet 284169, Orphanet 466950, MedGen C5681129, MONDO:0014741, OMIM 616708.

Submission:

Greenwood Genetic Center Diagnostic Laboratories, Greenwood Genetic Center
Classification: Likely pathogenic for DeSanto-Shinawi syndrome due to WAC point mutation. Last evaluated: 2021-07-13. Review status: criteria provided, single submitter. Criteria: ACMG Guidelines, 2015. Collection method: clinical testing. Allele origin: germline. Affected: yes.
Comment: PVS1, PM2

NM_016628.5(WAC):c.67C>T (p.Gln23Ter)

Genes: WAC (WW domain containing adaptor with coiled-coil; plus strand), LOC130003576 (ATAC-STARR-seq lymphoblastoid silent region 2255; plus strand). Cytogenetic location: 10p12.1.
Variant type: single nucleotide variant.
Coding change: c.67C>T on transcript NM_016628.5 (MANE Select); coding-DNA position 67, C replaced by T.
Protein change: p.Gln23Ter; replaces glutamine 23 with a stop codon.
Molecular consequence: nonsense. On other transcripts: 5 prime UTR variant (1).
Genome position (GRCh38, 1-based): chr10:28,534,023, C>T. VCF-style: chr10-28534023-C-T. GRCh37 (hg19) VCF-style: chr10-28822952-C-T.
Other names: c.-69C>T (NM_100264.3); c.67C>T, p.Gln23Ter (NM_100486.4); short protein forms Q23*.
Identifiers: ClinVar variation 1334518 (VCV001334518.4), dbSNP rs1836464000, ClinGen allele CA376493346.